The following is an entry in ClinVar:

ClinVar aggregate classification (germline): Uncertain significance. Review status: criteria provided, multiple submitters, no conflicts (2 of 4 stars). 5 submissions from 5 submitters: Uncertain significance (5). Last evaluated 2024-12-26.

Conditions:
DYSF-related disorder. Also called: DYSF-related condition; DYSF-related disorders.
Neuromuscular disease caused by qualitative or quantitative defects of dysferlin. Also called: Dysferlinopathy; Qualitative or quantitative defects of dysferlin. Identifiers: Orphanet 207073, MedGen C2931687, MONDO:0016145.

Allele frequency attached by ClinVar (database versions not stated): TOPMed 0.00005.
gnomAD v4.1: 147 of 1,613,954 alleles (0.0091%); highest among the groups gnomAD compares: Non-Finnish European, 0.012%; no homozygotes.

Submissions (5):

PreventionGenetics, part of Exact Sciences
Classification: Uncertain significance for DYSF-related condition. Last evaluated: 2024-12-26. Review status: criteria provided, single submitter. Criteria: ACMG Guidelines, 2015. Collection method: clinical testing. Allele origin: germline.
Comment: The DYSF c.751C>T variant is predicted to result in the amino acid substitution p.Arg251Trp. This variant has been reported in the heterozygous state in the absence of a second variant in an individual with limb-girdle muscular dystrophy (Table S7, Nallamilli et al. 2018. PubMed ID: 30564623). This variant is reported in 0.0062% of alleles in individuals of European (Non-Finnish) descent in gnomAD. At this time, the clinical significance of this variant is uncertain due to the absence of conclusive functional and genetic evidence.

Women's Health and Genetics/Laboratory Corporation of America, LabCorp
Classification: Uncertain significance. Last evaluated: 2023-12-08. Review status: criteria provided, single submitter. Criteria: LabCorp Variant Classification Summary - May 2015. Collection method: clinical testing. Allele origin: germline.
Comment: Variant summary: DYSF c.751C>T (p.Arg251Trp) results in a non-conservative amino acid change located in the C2 domain (IPR000008) of the encoded protein sequence. Five of five in-silico tools predict a damaging effect of the variant on protein function. The variant allele was found at a frequency of 2.8e-05 in 251444 control chromosomes. The available data on variant occurrences in the general population are insufficient to allow any conclusion about variant significance. c.751C>T has been reported in the literature in individuals suspected with Limb-Girdle Muscular Dystrophy, Autosomal Recessive (Nallailli_2018). These report(s) do not provide unequivocal conclusions about association of the variant with Limb-Girdle Muscular Dystrophy, Autosomal Recessive. To our knowledge, no experimental evidence demonstrating an impact on protein function has been reported. The following publication have been ascertained in the context of this evaluation (PMID: 30564623). Three submitters have cited clinical-significance assessments for this variant to ClinVar after 2014. All submitters classified the variant as uncertain significance. Based on the evidence outlined above, the variant was classified as uncertain significance.

Labcorp Genetics (formerly Invitae), Labcorp
Classification: Uncertain significance for Neuromuscular disease caused by qualitative or quantitative defects of dysferlin. Last evaluated: 2022-10-18. Review status: criteria provided, single submitter. Criteria: Invitae Variant Classification Sherloc (09022015). Collection method: clinical testing. Allele origin: germline.
Comment: This sequence change replaces arginine, which is basic and polar, with tryptophan, which is neutral and slightly polar, at codon 251 of the DYSF protein (p.Arg251Trp). This variant is present in population databases (rs769180834, gnomAD 0.005%). This missense change has been observed in individual(s) with clinical suspicion of limb-girdle muscular dystrophy (PMID: 30564623). ClinVar contains an entry for this variant (Variation ID: 288189). Advanced modeling of protein sequence and biophysical properties (such as structural, functional, and spatial information, amino acid conservation, physicochemical variation, residue mobility, and thermodynamic stability) performed at Invitae indicates that this missense variant is not expected to disrupt DYSF protein function. In summary, the available evidence is currently insufficient to determine the role of this variant in disease. Therefore, it has been classified as a Variant of Uncertain Significance.

Revvity Omics, Revvity
Classification: Uncertain significance. Last evaluated: 2019-03-05. Review status: criteria provided, single submitter. Criteria: ACMG Guidelines, 2015. Collection method: clinical testing. Allele origin: germline.

Eurofins Ntd Llc (ga)
Classification: Uncertain significance. Last evaluated: 2018-07-13. Review status: criteria provided, single submitter. Criteria: EGL ClinVar v180209 classification definitions. Collection method: clinical testing. Allele origin: germline. Observed: 2 variant alleles, 2 heterozygotes.

Literature cited by the submitters: PubMed 30564623 (cited by Women's Health and Genetics/Laboratory Corporation of America, LabCorp and Labcorp Genetics (formerly Invitae), Labcorp).

NM_001130987.2(DYSF):c.847C>T (p.Arg283Trp)

Gene: DYSF (dysferlin; plus strand). Cytogenetic location: 2p13.2.
Variant type: single nucleotide variant.
Coding change: c.847C>T on transcript NM_001130987.2 (MANE Select); coding-DNA position 847, C replaced by T.
Protein change: p.Arg283Trp; replaces arginine 283 with tryptophan.
Molecular consequence: missense variant.
Genome position (GRCh38, 1-based): chr2:71,515,710, C>T. VCF-style: chr2-71515710-C-T. GRCh37 (hg19) VCF-style: chr2-71742840-C-T.
Other names: c.751C>T (NM_003494.3); c.754C>T, p.Arg252Trp (NM_001130455.2, NM_001130983.2, NM_001130984.2 and 1 more transcripts); c.751C>T, p.Arg251Trp (NM_001130976.2, NM_001130977.2, NM_001130978.2 and 1 more transcripts); c.844C>T, p.Arg282Trp (NM_001130979.2, NM_001130980.2, NM_001130981.2); c.847C>T, p.Arg283Trp (NM_001130982.2, NM_001130985.2); short protein forms R283W, R251W, R282W, R252W.
Identifiers: ClinVar variation 288189 (VCV000288189.13), dbSNP rs769180834, ClinGen allele CA1705476.